The following is an entry in ClinVar:

NM_002473.6(MYH9):c.5395G>A (p.Gly1799Ser)

Gene: MYH9 (myosin heavy chain 9; minus strand). Cytogenetic location: 22q12.3.
Variant type: single nucleotide variant.
Coding change: c.5395G>A on transcript NM_002473.6 (MANE Select); coding-DNA position 5395, G replaced by A.
Protein change: p.Gly1799Ser; replaces glycine 1799 with serine.
Molecular consequence: missense variant.
Genome position (GRCh38, 1-based): chr22:36,285,209, C>T on the plus strand (G>A on the coding strand, the complement: MYH9 is on the minus strand). VCF-style: chr22-36285209-C-T. GRCh37 (hg19) VCF-style: chr22-36681255-C-T.
Other names: short protein forms G1799S.
Identifiers: ClinVar variation 4530919 (VCV004530919.1).

ClinVar aggregate classification (germline): Uncertain significance (1 of 4 stars; one submission).

gnomAD v4.1: 10 of 1,614,068 alleles (0.00062%); highest among the groups gnomAD compares: Non-Finnish European, 0.00085%; no homozygotes.

Submission:

GeneDx
Classification: Uncertain significance. Last evaluated: 2025-05-20. Review status: criteria provided, single submitter. Criteria: GeneDx Variant Classification Process June 2021. Collection method: clinical testing. Allele origin: germline. Affected: yes.
Comment: Not observed at significant frequency in large population cohorts (gnomAD); In silico analysis suggests that this missense variant does not alter protein structure/function; Has not been previously published as pathogenic or benign to our knowledge